The following is an entry in ClinVar:

NM_001271.4(CHD2):c.219C>G (p.Ser73=)

Gene: CHD2 (chromodomain helicase DNA binding protein 2; plus strand). Cytogenetic location: 15q26.1.
Variant type: single nucleotide variant.
Coding change: c.219C>G on transcript NM_001271.4 (MANE Select); coding-DNA position 219, C replaced by G.
Protein change: p.Ser73=; no amino-acid change (serine 73 retained).
Molecular consequence: synonymous variant.
Genome position (GRCh38, 1-based): chr15:92,924,477, C>G. VCF-style: chr15-92924477-C-G. GRCh37 (hg19) VCF-style: chr15-93467707-C-G.
Other names: c.219C>G, p.Ser73= (NM_001042572.3).
Identifiers: ClinVar variation 514951 (VCV000514951.11), dbSNP rs140718403, ClinGen allele CA7747458.

ClinVar aggregate classification (germline): Likely benign. Review status: criteria provided, multiple submitters, no conflicts (2 of 4 stars). 4 submissions from 4 submitters: Likely benign (4). Last evaluated 2026-07-01.

Conditions:
Developmental and epileptic encephalopathy 94 (DEE94). Also called: Epileptic encephalopathy, childhood-onset; CHD2-Related Neurodevelopmental Disorders. Identifiers: Orphanet 1942, Orphanet 2382, MedGen C3809278, MONDO:0014150, OMIM 615369.

Allele frequency attached by ClinVar (database versions not stated): gnomAD exomes below 0.00001; TOPMed below 0.00001; ExAC 0.00001; gnomAD 0.00001; ESP Exome Variant Server 0.00008.
gnomAD v4.1: 5 of 1,613,986 alleles (0.00031%); highest among the groups gnomAD compares: Non-Finnish European, 0.00042%; no homozygotes.

Submissions (4):

CeGaT Center for Human Genetics Tuebingen
Classification: Likely benign. Last evaluated: 2026-07-01. Review status: criteria provided, single submitter. Criteria: CeGaT Center For Human Genetics Tuebingen Variant Classification Criteria Version 2. Collection method: clinical testing. Allele origin: germline. Affected: yes. Observed: 1 variant allele.
Comment: CHD2: BS2

Women's Health and Genetics/Laboratory Corporation of America, LabCorp
Classification: Likely benign. Last evaluated: 2026-05-04. Review status: criteria provided, single submitter. Criteria: LabCorp Variant Classification Summary - May 2015. Collection method: clinical testing. Allele origin: germline.

Labcorp Genetics (formerly Invitae), Labcorp
Classification: Likely benign for Developmental and epileptic encephalopathy 94. Last evaluated: 2023-08-23. Review status: criteria provided, single submitter. Criteria: Invitae Variant Classification Sherloc (09022015). Collection method: clinical testing. Allele origin: germline.

GeneDx
Classification: Likely benign. Last evaluated: 2018-01-25. Review status: criteria provided, single submitter. Criteria: GeneDx Variant Classification (06012015). Collection method: clinical testing. Allele origin: germline. Affected: yes.
Comment: This variant is considered likely benign or benign based on one or more of the following criteria: it is a conservative change, it occurs at a poorly conserved position in the protein, it is predicted to be benign by multiple in silico algorithms, and/or has population frequency not consistent with disease.